The following is an entry in ClinVar:

NM_000059.4(BRCA2):c.1037A>T (p.Asn346Ile)

Gene: BRCA2 (BRCA2 DNA repair associated; plus strand). Cytogenetic location: 13q13.1.
Variant type: single nucleotide variant.
Coding change: c.1037A>T on transcript NM_000059.4 (MANE Select); coding-DNA position 1037, A replaced by T.
Protein change: p.Asn346Ile; replaces asparagine 346 with isoleucine.
Molecular consequence: missense variant.
Genome position (GRCh38, 1-based): chr13:32,332,515, A>T. VCF-style: chr13-32332515-A-T. GRCh37 (hg19) VCF-style: chr13-32906652-A-T.
Other names: short protein forms N346I.
Identifiers: ClinVar variation 185263 (VCV000185263.17), dbSNP rs786202042, ClinGen allele CA010614.

ClinVar aggregate classification (germline): Conflicting classifications of pathogenicity. Review status: criteria provided, conflicting classifications (1 of 4 stars). 4 submissions from 4 submitters: Uncertain significance (2); Likely benign (2). Last evaluated 2025-07-29.

Conditions:
Hereditary cancer-predisposing syndrome. Also called: Tumor predisposition; Neoplastic Syndromes, Hereditary; Hereditary neoplastic syndrome; Hereditary Cancer Syndrome. Identifiers: Orphanet 140162, MedGen C0027672, MeSH D009386, MONDO:0015356.
Hereditary breast ovarian cancer syndrome. Also called: Hereditary breast and ovarian cancer syndrome; Hereditary breast and ovarian cancer syndrome (HBOC); Hereditary breast and ovarian cancer; Breast and ovarian cancer; BRCA1- and BRCA2-Associated Hereditary Breast and Ovarian Cancer; Hereditary breast and/or ovarian cancer syndrome. Identifiers: Orphanet 145, MedGen C0677776, MeSH D061325, MONDO:0003582. Disease mechanism: loss of function.

Submissions (4):

Labcorp Genetics (formerly Invitae), Labcorp
Classification: Uncertain significance for Hereditary breast ovarian cancer syndrome. Last evaluated: 2025-07-29. Review status: criteria provided, single submitter. Criteria: Invitae Variant Classification Sherloc (09022015). Collection method: clinical testing. Allele origin: germline.
Comment: This sequence change replaces asparagine, which is neutral and polar, with isoleucine, which is neutral and non-polar, at codon 346 of the BRCA2 protein (p.Asn346Ile). This variant is not present in population databases (gnomAD no frequency). This variant has not been reported in the literature in individuals affected with BRCA2-related conditions. ClinVar contains an entry for this variant (Variation ID: 185263). Invitae Evidence Modeling of protein sequence and biophysical properties (such as structural, functional, and spatial information, amino acid conservation, physicochemical variation, residue mobility, and thermodynamic stability) indicates that this missense variant is not expected to disrupt BRCA2 protein function with a negative predictive value of 95%. In summary, the available evidence is currently insufficient to determine the role of this variant in disease. Therefore, it has been classified as a Variant of Uncertain Significance.

Blueprint Genetics
Classification: Likely benign. Last evaluated: 2024-04-24. Review status: criteria provided, single submitter. Criteria: ACMG Guidelines, 2015. Collection method: clinical testing. Allele origin: germline.

University of Washington Department of Laboratory Medicine, University of Washington
Classification: Likely benign for Hereditary cancer-predisposing syndrome. Last evaluated: 2023-03-23. Review status: criteria provided, single submitter. Criteria: Dines et al. (Genet Med. 2020). Collection method: curation. Allele origin: germline.
Comment: Missense variant in a coldspot region where missense variants are very unlikely to be pathogenic (PMID:31911673).

BRCA2 exon 10 coldspot. Reclassification based on statistical prior probability.

Ambry Genetics
Classification: Uncertain significance for Hereditary cancer-predisposing syndrome. Last evaluated: 2014-05-23. Review status: criteria provided, single submitter. Criteria: Ambry Variant Classification Scheme 2023. Collection method: clinical testing. Allele origin: germline.
Comment: The p.N346I variant (also known as c.1037A>T or 1265A>T), located in coding exon 9 of the BRCA2 gene, results from an A to T substitution at nucleotide position 1037. The asparagine at codon 346 is replaced by isoleucine, an amino acid with dissimilar properties. This variant was not reported in population based cohorts in the following databases: Database of Single Nucleotide Polymorphisms (dbSNP), NHLBI Exome Sequencing Project (ESP), and 1000 Genomes Project. To date, this alteration has been detected with an allele frequency of approximately 0.002% (greater than 42,000 alleles tested) in our clinical cohort (includes this individual). This amino acid position is poorly conserved in available vertebrate species. In addition, this alteration is predicted to be tolerated by in silico analysis. Since supporting evidence is limited at this time, the clinical significance of p.N346I remains unclear.